The following is an entry in ClinVar:

ClinVar aggregate classification (germline): Uncertain significance (1 of 4 stars; one submission).

Submission:

Labcorp Genetics (formerly Invitae), Labcorp
Classification: Uncertain significance. Last evaluated: 2022-07-23. Review status: criteria provided, single submitter. Criteria: Invitae Variant Classification Sherloc (09022015). Collection method: clinical testing. Allele origin: germline.
Comment: This sequence change falls in intron 10 of the MYLK3 gene. It does not directly change the encoded amino acid sequence of the MYLK3 protein. This variant is present in population databases (rs761067828, gnomAD no frequency). This variant has not been reported in the literature in individuals affected with MYLK3-related conditions. Algorithms developed to predict the effect of sequence changes on RNA splicing suggest that this variant may disrupt the consensus splice site. In summary, the available evidence is currently insufficient to determine the role of this variant in disease. Therefore, it has been classified as a Variant of Uncertain Significance.

NM_182493.3(MYLK3):c.2115-11_2115-8del

Gene: MYLK3 (myosin light chain kinase 3; minus strand). Cytogenetic location: 16q11.2.
Variant type: Microsatellite.
Coding change: c.2115-11_2115-8del on transcript NM_182493.3 (MANE Select); 11 bases into the intron before coding-DNA position 2115 through 8 bases into the intron before coding-DNA position 2115, 4 bases deleted (CTCT; older notation c.2115-11_2115-8delCTCT).
Molecular consequence: intron variant.
Genome position (GRCh38, 1-based): chr16:46,710,797-46,710,800, AGAG deleted on the plus strand (CTCT on the coding strand, the reverse complement: MYLK3 is on the minus strand); deleting any 4 consecutive bases within chr16:46,710,797-46,710,803 gives the same sequence; the c. name uses the placement nearest the transcript's 3' end. VCF-style (leftmost placement, unchanged base first): chr16-46710796-AAGAG-A. GRCh37 (hg19) VCF-style: chr16-46744708-AAGAG-A.
Other names: c.1092-11_1092-8del (NM_001308301.1).
Identifiers: ClinVar variation 2019125 (VCV002019125.4), dbSNP rs761067828, ClinGen allele CA8037709.